The following is an entry in ClinVar:

ClinVar aggregate classification (germline): Uncertain significance. Review status: criteria provided, multiple submitters, no conflicts (2 of 4 stars). 2 submissions from 2 submitters: Uncertain significance (2). Last evaluated 2025-04-09.

Conditions:
Hereditary cancer-predisposing syndrome. Also called: Neoplastic Syndromes, Hereditary; Hereditary neoplastic syndrome; Hereditary Cancer Syndrome; Tumor predisposition. Identifiers: Orphanet 140162, MedGen C0027672, MeSH D009386, MONDO:0015356.

Allele frequency attached by ClinVar (database versions not stated): gnomAD exomes 0.00001 and 0.00002; gnomAD 0.00002; TOPMed 0.00002; ExAC 0.00003.
gnomAD v4.1: 13 of 1,611,792 alleles (0.00081%); highest among the groups gnomAD compares: South Asian, 0.0033%; no homozygotes.

Submissions (3):

Ambry Genetics
Classification: Uncertain significance for Hereditary cancer-predisposing syndrome. Last evaluated: 2025-04-09. Review status: criteria provided, single submitter. Criteria: Ambry Variant Classification Scheme 2023. Collection method: clinical testing. Allele origin: germline.
Comment: The p.R726C variant (also known as c.2176C>T), located in coding exon 13 of the RAD50 gene, results from a C to T substitution at nucleotide position 2176. The arginine at codon 726 is replaced by cysteine, an amino acid with highly dissimilar properties. This amino acid position is well conserved in available vertebrate species. In addition, the in silico prediction for this alteration is inconclusive. Since supporting evidence is limited at this time, the clinical significance of this alteration remains unclear.

Labcorp Genetics (formerly Invitae), Labcorp
Classification: Uncertain significance for Hereditary cancer-predisposing syndrome. Last evaluated: 2024-11-05. Review status: criteria provided, single submitter. Criteria: Invitae Variant Classification Sherloc (09022015). Collection method: clinical testing. Allele origin: germline.
Comment: This sequence change replaces arginine, which is basic and polar, with cysteine, which is neutral and slightly polar, at codon 726 of the RAD50 protein (p.Arg726Cys). This variant is present in population databases (rs753002904, gnomAD 0.007%). This variant has not been reported in the literature in individuals affected with RAD50-related conditions. ClinVar contains an entry for this variant (Variation ID: 229756). Invitae Evidence Modeling of protein sequence and biophysical properties (such as structural, functional, and spatial information, amino acid conservation, physicochemical variation, residue mobility, and thermodynamic stability) indicates that this missense variant is expected to disrupt RAD50 protein function with a positive predictive value of 80%. In summary, the available evidence is currently insufficient to determine the role of this variant in disease. Therefore, it has been classified as a Variant of Uncertain Significance.

Dr. Peter K. Rogan Lab, Western University
No classification provided (evidence only). Condition: Gastric cancer. Review status: no classification provided. Collection method: in vitro. Allele origin: not applicable. Functional consequence: retained intron. Not counted in ClinVar's aggregate classification.

NM_005732.4(RAD50):c.2176C>T (p.Arg726Cys)

Gene: RAD50 (RAD50 double strand break repair protein; plus strand). Cytogenetic location: 5q31.1.
Variant type: single nucleotide variant.
Coding change: c.2176C>T on transcript NM_005732.4 (MANE Select); coding-DNA position 2176, C replaced by T.
Protein change: p.Arg726Cys; replaces arginine 726 with cysteine.
Molecular consequence: missense variant.
Genome position (GRCh38, 1-based): chr5:132,595,779, C>T. VCF-style: chr5-132595779-C-T. GRCh37 (hg19) VCF-style: chr5-131931471-C-T.
Other names: short protein forms R726C.
Identifiers: ClinVar variation 229756 (VCV000229756.15), dbSNP rs753002904, ClinGen allele CA3405338.